The following is an entry in ClinVar:

NM_004977.3(KCNC3):c.2245G>A (p.Ala749Thr)

Gene: KCNC3 (potassium voltage-gated channel subfamily C member 3; minus strand). Cytogenetic location: 19q13.33.
Variant type: single nucleotide variant.
Coding change: c.2245G>A on transcript NM_004977.3 (MANE Select); coding-DNA position 2245, G replaced by A.
Protein change: p.Ala749Thr; replaces alanine 749 with threonine.
Molecular consequence: missense variant.
Genome position (GRCh38, 1-based): chr19:50,320,275, C>T on the plus strand (G>A on the coding strand, the complement: KCNC3 is on the minus strand). VCF-style: chr19-50320275-C-T. GRCh37 (hg19) VCF-style: chr19-50823532-C-T.
Other names: c.2017G>A, p.Ala673Thr (NM_001372305.1); short protein forms A673T, A749T.
Identifiers: ClinVar variation 1298784 (VCV001298784.36), dbSNP rs1365532889, ClinGen allele CA406968003.

ClinVar aggregate classification (germline): Uncertain significance. Review status: criteria provided, multiple submitters, no conflicts (2 of 4 stars). 2 submissions from 2 submitters: Uncertain significance (2). Last evaluated 2026-05-01.

Conditions:
Spinocerebellar ataxia type 13 (SCA13). Also called: Spinocerebellar Ataxia Type13. Identifiers: Orphanet 98768, MedGen C1854488, MONDO:0011529, OMIM 605259.

Allele frequency attached by ClinVar (database versions not stated): gnomAD 0.00005; gnomAD exomes 0.00005.
gnomAD v4.1: 57 of 1,045,174 alleles (0.0055%); highest among the groups gnomAD compares: Non-Finnish European, 0.0067%; no homozygotes.

Submissions (2):

CeGaT Center for Human Genetics Tuebingen
Classification: Uncertain significance. Last evaluated: 2026-05-01. Review status: criteria provided, single submitter. Criteria: CeGaT Center For Human Genetics Tuebingen Variant Classification Criteria Version 2. Collection method: clinical testing. Allele origin: germline. Affected: yes. Observed: 2 variant alleles.
Comment: KCNC3: PP3

Fulgent Genetics
Classification: Uncertain significance for Spinocerebellar ataxia type 13. Last evaluated: 2021-11-18. Review status: criteria provided, single submitter. Criteria: ACMG Guidelines, 2015. Collection method: clinical testing. Allele origin: unknown.